The following is an entry in ClinVar:

ClinVar aggregate classification (germline): Uncertain significance (1 of 4 stars; one submission).

Submission:

GeneDx
Classification: Uncertain significance. Last evaluated: 2022-02-10. Review status: criteria provided, single submitter. Criteria: GeneDx Variant Classification Process June 2021. Collection method: clinical testing. Allele origin: germline. Affected: yes.
Comment: Not observed at significant frequency in large population cohorts (gnomAD); In silico analysis supports that this missense variant does not alter protein structure/function; Has not been previously published as pathogenic or benign to our knowledge

NM_017780.4(CHD7):c.1646A>G (p.Gln549Arg)

Gene: CHD7 (chromodomain helicase DNA binding protein 7; plus strand). Cytogenetic location: 8q12.2.
Variant type: single nucleotide variant.
Coding change: c.1646A>G on transcript NM_017780.4 (MANE Select); coding-DNA position 1646, A replaced by G.
Protein change: p.Gln549Arg; replaces glutamine 549 with arginine.
Molecular consequence: missense variant.
Genome position (GRCh38, 1-based): chr8:60,743,078, A>G. VCF-style: chr8-60743078-A-G. GRCh37 (hg19) VCF-style: chr8-61655637-A-G.
Other names: c.1646A>G, p.Gln549Arg (NM_001316690.1); short protein forms Q549R.
Identifiers: ClinVar variation 1700919 (VCV001700919.2), dbSNP rs2150581508, ClinGen allele CA371303799.